The following is an entry in ClinVar:

ClinVar aggregate classification (germline): Benign. Review status: criteria provided, multiple submitters, no conflicts (2 of 4 stars). 4 submissions from 4 submitters: Benign (4). Last evaluated 2026-09-21.

Conditions:
Dilated cardiomyopathy 1DD (CMD1DD). Identifiers: Orphanet 154, MedGen C2750995, MONDO:0013168, OMIM 613172.

Allele frequency attached by ClinVar (database versions not stated): 1000 Genomes Project 0.78814; gnomAD exomes 0.81814; gnomAD 0.75089 and 0.75870; ExAC 0.80770; TOPMed 0.75114; 1000 Genomes Project 30x 0.77858; ESP Exome Variant Server 0.72777.
gnomAD v4.1: 1,205,918 of 1,505,016 alleles (80%); highest among the groups gnomAD compares: East Asian, 98%; 485,682 homozygotes.

Submissions (4):

Molecular Diagnostic Laboratory for Inherited Cardiovascular Disease, Montreal Heart Institute
Classification: Benign. Last evaluated: 2026-09-21. Review status: criteria provided, single submitter. Criteria: ACMG Guidelines, 2015. Collection method: clinical testing. Allele origin: germline. Affected: no.
Comment: BA1

Genome-Nilou Lab
Classification: Benign for Dilated cardiomyopathy 1DD. Last evaluated: 2021-11-07. Review status: criteria provided, single submitter. Criteria: ACMG Guidelines, 2015. Collection method: clinical testing. Allele origin: germline. Affected: no.

GeneDx
Classification: Benign. Last evaluated: 2018-06-14. Review status: criteria provided, single submitter. Criteria: GeneDx Variant Classification (06012015). Collection method: clinical testing. Allele origin: germline. Affected: yes.
Comment: This variant is considered likely benign or benign based on one or more of the following criteria: it is a conservative change, it occurs at a poorly conserved position in the protein, it is predicted to be benign by multiple in silico algorithms, and/or has population frequency not consistent with disease.

Breakthrough Genomics
Classification: Benign. Review status: criteria provided, single submitter. Criteria: ACMG Guidelines, 2015. Collection method: not provided. Allele origin: germline. Inheritance: Autosomal dominant inheritance. Affected: yes.

NM_001134363.3(RBM20):c.1337+32G>A

Gene: RBM20 (RNA binding motif protein 20; plus strand). Cytogenetic location: 10q25.2.
Variant type: single nucleotide variant.
Coding change: c.1337+32G>A on transcript NM_001134363.3 (MANE Select); 32 bases into the intron after coding-DNA position 1337, G replaced by A.
Molecular consequence: intron variant.
Genome position (GRCh38, 1-based): chr10:110,783,459, G>A. VCF-style: chr10-110783459-G-A. GRCh37 (hg19) VCF-style: chr10-112543217-G-A.
Other names: c.1337+32G>A (NM_001134363.2).
Identifiers: ClinVar variation 671182 (VCV000671182.5), dbSNP rs6585012, ClinGen allele CA5688583.